The following is an entry in ClinVar:

NM_031263.4(HNRNPK):c.1198G>A (p.Gly400Arg)

Gene: HNRNPK (heterogeneous nuclear ribonucleoprotein K; minus strand). Cytogenetic location: 9q21.32.
Variant type: single nucleotide variant.
Coding change: c.1198G>A on transcript NM_031263.4 (MANE Select); coding-DNA position 1198, G replaced by A.
Protein change: p.Gly400Arg; replaces glycine 400 with arginine.
Molecular consequence: missense variant.
Genome position (GRCh38, 1-based): chr9:83,970,325, C>T on the plus strand (G>A on the coding strand, the complement: HNRNPK is on the minus strand). VCF-style: chr9-83970325-C-T. GRCh37 (hg19) VCF-style: chr9-86585240-C-T.
Other names: c.1126G>A, p.Gly376Arg (NM_001318186.2, NM_001318187.2); c.1198G>A, p.Gly400Arg (NM_001318188.2, NM_002140.5, NM_031262.4); short protein forms G376R, G400R.
Identifiers: ClinVar variation 1712584 (VCV001712584.4), dbSNP rs2491952414, ClinGen allele CA373918667.

ClinVar aggregate classification (germline): Uncertain significance. Review status: criteria provided, multiple submitters, no conflicts (2 of 4 stars). 2 submissions from 2 submitters: Uncertain significance (2). Last evaluated 2023-04-20.

Conditions:
Au-Kline syndrome. Also called: Neurodevelopmental disorder-craniofacial dysmorphism-cardiac defect-hip dysplasia syndrome due to a point mutation; Okamoto syndrome. Identifiers: Orphanet 2729, Orphanet 453499, Orphanet 453504, MedGen C4225274, MONDO:0014700, OMIM 616580.

Submissions (2):

Duke University Health System Sequencing Clinic, Duke University Health System
Classification: Uncertain significance for Au-Kline syndrome. Last evaluated: 2023-04-20. Review status: criteria provided, single submitter. Criteria: ACMG Guidelines, 2015. Collection method: research. Allele origin: unknown. Affected: yes.

GeneDx
Classification: Uncertain significance. Last evaluated: 2022-04-29. Review status: criteria provided, single submitter. Criteria: GeneDx Variant Classification Process June 2021. Collection method: clinical testing. Allele origin: germline. Affected: yes.
Comment: Not observed at significant frequency in large population cohorts (gnomAD); In silico analysis supports that this missense variant has a deleterious effect on protein structure/function; In-silico analysis is inconclusive as to whether the variant alters gene splicing. In the absence of RNA/functional studies, the actual effect of this sequence change is unknown.; Has not been previously published as pathogenic or benign to our knowledge